The following is an entry in ClinVar:

NM_000075.4(CDK4):c.520G>A (p.Val174Met)

Gene: CDK4 (cyclin dependent kinase 4; minus strand). Cytogenetic location: 12q14.1.
Variant type: single nucleotide variant.
Coding change: c.520G>A on transcript NM_000075.4 (MANE Select); coding-DNA position 520, G replaced by A.
Protein change: p.Val174Met; replaces valine 174 with methionine.
Molecular consequence: missense variant.
Genome position (GRCh38, 1-based): chr12:57,750,925, C>T on the plus strand (G>A on the coding strand, the complement: CDK4 is on the minus strand). VCF-style: chr12-57750925-C-T. GRCh37 (hg19) VCF-style: chr12-58144708-C-T.
Other names: short protein forms V174M.
Identifiers: ClinVar variation 184906 (VCV000184906.23), dbSNP rs780052789, ClinGen allele CA190439.

ClinVar aggregate classification (germline): Uncertain significance. Review status: criteria provided, multiple submitters, no conflicts (2 of 4 stars). 5 submissions from 5 submitters: Uncertain significance (5). Last evaluated 2026-08-06.

Conditions:
Familial melanoma. Also called: Hereditary melanoma; Hereditary cutaneous melanoma. Identifiers: Orphanet 618, MedGen C1512419, MONDO:0018961.
Hereditary cancer-predisposing syndrome. Also called: Tumor predisposition; Hereditary neoplastic syndrome; Neoplastic Syndromes, Hereditary; Hereditary Cancer Syndrome. Identifiers: Orphanet 140162, MedGen C0027672, MeSH D009386, MONDO:0015356.
Melanoma, cutaneous malignant, susceptibility to, 3. Also called: Cutaneous malignant melanoma 3. Identifiers: Orphanet 618, MedGen C1836892, MONDO:0012183, OMIM 609048.

Allele frequency attached by ClinVar (database versions not stated): gnomAD 0.00001; gnomAD exomes 0.00001 and 0.00002; TOPMed 0.00001; ExAC 0.00002.
gnomAD v4.1: 17 of 1,614,078 alleles (0.0011%); highest among the groups gnomAD compares: Non-Finnish European, 0.0013%; no homozygotes.

Submissions (5):

OLLIN Analises Genomicas, OLLIN
Classification: Uncertain significance for Melanoma, cutaneous malignant, susceptibility to, 3. Last evaluated: 2026-08-06. Review status: criteria provided, single submitter. Criteria: ACMG Guidelines 2015 PMID 25741868. Collection method: clinical testing. Allele origin: germline. Inheritance: Autosomal dominant inheritance.
Comment: This missense variant, located in exon 4 (of 8), has been reported in ClinVar (accession VCV003830863.1) and in gnomAD with an allele frequency of 0.00105%. However, to our knowledge, it has not been reported in the scientific literature. In silico analysis predicts that this variant has a tolerated effect. According to the currently available evidence, this variant has been classified as uncertain significance (BP4_M).

Labcorp Genetics (formerly Invitae), Labcorp
Classification: Uncertain significance for Familial melanoma. Last evaluated: 2025-12-02. Review status: criteria provided, single submitter. Criteria: Invitae Variant Classification Sherloc (09022015). Collection method: clinical testing. Allele origin: germline.
Comment: This sequence change replaces valine, which is neutral and non-polar, with methionine, which is neutral and non-polar, at codon 174 of the CDK4 protein (p.Val174Met). This variant is present in population databases (rs780052789, gnomAD 0.01%). This variant has not been reported in the literature in individuals affected with CDK4-related conditions. ClinVar contains an entry for this variant (Variation ID: 184906). An algorithm developed to predict the effect of missense changes on protein structure and function (PolyPhen-2) suggests that this variant is likely to be tolerated. In summary, the available evidence is currently insufficient to determine the role of this variant in disease. Therefore, it has been classified as a Variant of Uncertain Significance.

Ambry Genetics
Classification: Uncertain significance for Hereditary cancer-predisposing syndrome. Last evaluated: 2025-09-17. Review status: criteria provided, single submitter. Criteria: Ambry Variant Classification Scheme 2023. Collection method: clinical testing. Allele origin: germline.
Comment: The p.V174M variant (also known as c.520G>A), located in coding exon 3 of the CDK4 gene, results from a G to A substitution at nucleotide position 520. The valine at codon 174 is replaced by methionine, an amino acid with highly similar properties. This amino acid position is well conserved in available vertebrate species. In addition, this alteration is predicted to be tolerated by in silico analysis. Based on the available evidence, the clinical significance of this variant remains unclear.

GeneDx
Classification: Uncertain significance. Last evaluated: 2023-08-23. Review status: criteria provided, single submitter. Criteria: GeneDx Variant Classification Process June 2021. Collection method: clinical testing. Allele origin: germline. Affected: yes.
Comment: Not observed at significant frequency in large population cohorts (gnomAD); In silico analysis supports that this missense variant has a deleterious effect on protein structure/function; Has not been previously published as pathogenic or benign to our knowledge; This variant is associated with the following publications: (PMID: 25617745, 28360267, 27050151)

Mendelics
Classification: Uncertain significance for Cutaneous malignant melanoma 3. Last evaluated: 2018-07-02. Review status: criteria provided, single submitter. Criteria: Mendelics Assertion Criteria 2017. Collection method: clinical testing. Allele origin: unknown.